The following is an entry in ClinVar:

ClinVar aggregate classification (germline): Uncertain significance. Review status: criteria provided, multiple submitters, no conflicts (2 of 4 stars). 2 submissions from 2 submitters: Uncertain significance (2). Last evaluated 2024-12-06.

Conditions:
NOTCH2-related disorder. Also called: NOTCH2-related condition.
Hajdu-Cheney syndrome (HJCYS). Also called: ACROOSTEOLYSIS WITH OSTEOPOROSIS AND CHANGES IN SKULL AND MANDIBLE; Acroosteolysis dominant type; SERPENTINE FIBULA-POLYCYSTIC KIDNEY SYNDROME. Identifiers: Orphanet 955, MedGen C0917715, MONDO:0007057, OMIM 102500.

Allele frequency attached by ClinVar (database versions not stated): gnomAD exomes below 0.00001; TOPMed 0.00001.
gnomAD v4.1: 4 of 1,613,762 alleles (0.00025%); highest among the groups gnomAD compares: Middle Eastern, 0.016%; no homozygotes.

Submissions (2):

PreventionGenetics, part of Exact Sciences
Classification: Uncertain significance for NOTCH2-related condition. Last evaluated: 2024-12-06. Review status: criteria provided, single submitter. Criteria: ACMG Guidelines, 2015. Collection method: clinical testing. Allele origin: germline.
Comment: The NOTCH2 c.4243A>G variant is predicted to result in the amino acid substitution p.Thr1415Ala. To our knowledge, this variant has not been reported in the literature or in a large population database, indicating this variant is rare. At this time, the clinical significance of this variant is uncertain due to the absence of conclusive functional and genetic evidence.

Labcorp Genetics (formerly Invitae), Labcorp
Classification: Uncertain significance for Hajdu-Cheney syndrome. Last evaluated: 2023-05-23. Review status: criteria provided, single submitter. Criteria: Invitae Variant Classification Sherloc (09022015). Collection method: clinical testing. Allele origin: germline.
Comment: Advanced modeling of protein sequence and biophysical properties (such as structural, functional, and spatial information, amino acid conservation, physicochemical variation, residue mobility, and thermodynamic stability) performed at Invitae indicates that this missense variant is not expected to disrupt NOTCH2 protein function. In summary, the available evidence is currently insufficient to determine the role of this variant in disease. Therefore, it has been classified as a Variant of Uncertain Significance. ClinVar contains an entry for this variant (Variation ID: 2182607). This variant has not been reported in the literature in individuals affected with NOTCH2-related conditions. This variant is not present in population databases (gnomAD no frequency). This sequence change replaces threonine, which is neutral and polar, with alanine, which is neutral and non-polar, at codon 1415 of the NOTCH2 protein (p.Thr1415Ala).

NM_024408.4(NOTCH2):c.4243A>G (p.Thr1415Ala)

Gene: NOTCH2 (notch receptor 2; minus strand). Cytogenetic location: 1p12.
Variant type: single nucleotide variant.
Coding change: c.4243A>G on transcript NM_024408.4 (MANE Select); coding-DNA position 4243, A replaced by G.
Protein change: p.Thr1415Ala; replaces threonine 1415 with alanine.
Molecular consequence: missense variant.
Genome position (GRCh38, 1-based): chr1:119,925,573, T>C on the plus strand (A>G on the coding strand, the complement: NOTCH2 is on the minus strand). VCF-style: chr1-119925573-T-C. GRCh37 (hg19) VCF-style: chr1-120468196-T-C.
Other names: c.4243A>G (NM_024408.3); short protein forms T1415A.
Identifiers: ClinVar variation 2182607 (VCV002182607.6), dbSNP rs1649447182, ClinGen allele CA341890359.